The following is an entry in ClinVar:

NM_005026.5(PIK3CD):c.905A>G (p.Lys302Arg)

Gene: PIK3CD (phosphatidylinositol-4,5-bisphosphate 3-kinase catalytic subunit delta; plus strand). Cytogenetic location: 1p36.22.
Variant type: single nucleotide variant.
Coding change: c.905A>G on transcript NM_005026.5 (MANE Select); coding-DNA position 905, A replaced by G.
Protein change: p.Lys302Arg; replaces lysine 302 with arginine.
Molecular consequence: missense variant.
Genome position (GRCh38, 1-based): chr1:9,717,083, A>G. VCF-style: chr1-9717083-A-G. GRCh37 (hg19) VCF-style: chr1-9777141-A-G.
Other names: c.905A>G, p.Lys302Arg (NM_001350234.2); c.818A>G, p.Lys273Arg (NM_001350235.1); short protein forms K273R, K302R.
Identifiers: ClinVar variation 2845117 (VCV002845117.3), dbSNP rs2524867230, ClinGen allele CA338301655.

ClinVar aggregate classification (germline): Uncertain significance (1 of 4 stars; one submission).

Conditions:
Immunodeficiency 14 (IMD14A). Also called: p110-DELTA-ACTIVATING MUTATION CAUSING SENESCENT T CELLS, LYMPHADENOPATHY, AND IMMUNODEFICIENCY; IMMUNODEFICIENCY 14A WITH LYMPHOPROLIFERATION, AUTOSOMAL DOMINANT; ACTIVATED PI3K-DELTA SYNDROME 1; Activated PI3K Delta Syndrome Type 1 (APDS1). Identifiers: Orphanet 397596, Orphanet 693661, MedGen C5907821, MONDO:0014222, OMIM 615513.

Submission:

Labcorp Genetics (formerly Invitae), Labcorp
Classification: Uncertain significance for Activated PI3K-delta syndrome. Last evaluated: 2023-03-12. Review status: criteria provided, single submitter. Criteria: Invitae Variant Classification Sherloc (09022015). Collection method: clinical testing. Allele origin: germline.
Comment: This sequence change replaces lysine, which is basic and polar, with arginine, which is basic and polar, at codon 302 of the PIK3CD protein (p.Lys302Arg). In summary, the available evidence is currently insufficient to determine the role of this variant in disease. Therefore, it has been classified as a Variant of Uncertain Significance. Advanced modeling of protein sequence and biophysical properties (such as structural, functional, and spatial information, amino acid conservation, physicochemical variation, residue mobility, and thermodynamic stability) performed at Invitae indicates that this missense variant is not expected to disrupt PIK3CD protein function. This variant has not been reported in the literature in individuals affected with PIK3CD-related conditions. This variant is not present in population databases (gnomAD no frequency).